The following is an entry in ClinVar:

NM_130384.3(ATRIP):c.835A>G (p.Lys279Glu)

Genes: ATRIP (ATR interacting protein; plus strand), ATRIP-TREX1 (ATRIP-TREX1 readthrough; plus strand). Cytogenetic location: 3p21.31.
Variant type: single nucleotide variant.
Coding change: c.835A>G on transcript NM_130384.3 (MANE Select); coding-DNA position 835, A replaced by G.
Protein change: p.Lys279Glu; replaces lysine 279 with glutamic acid.
Molecular consequence: missense variant. On other transcripts: non-coding transcript variant (1).
Genome position (GRCh38, 1-based): chr3:48,459,364, A>G. VCF-style: chr3-48459364-A-G. GRCh37 (hg19) VCF-style: chr3-48500763-A-G.
Other names: c.454A>G, p.Lys152Glu (NM_001271022.2); c.556A>G, p.Lys186Glu (NM_001271023.2); c.835A>G, p.Lys279Glu (NM_032166.4); short protein forms K279E, K152E, K186E.
Identifiers: ClinVar variation 5032425 (VCV005032425.1).

ClinVar aggregate classification (germline): Uncertain significance (1 of 4 stars; one submission).

gnomAD v4.1: 3 of 1,613,570 alleles (0.00019%); highest among the groups gnomAD compares: Non-Finnish European, 0.00025%; no homozygotes.

Submission:

Ambry Genetics
Classification: Uncertain significance. Last evaluated: 2026-07-09. Review status: criteria provided, single submitter. Criteria: Ambry Variant Classification Scheme 2023. Collection method: clinical testing. Allele origin: germline.
Comment: The p.K279E variant (also known as c.835A>G), located in coding exon 6 of the ATRIP gene, results from an A to G substitution at nucleotide position 835. The lysine at codon 279 is replaced by glutamic acid, an amino acid with similar properties. This amino acid position is conserved. In addition, this alteration is predicted to be tolerated by in silico analysis. Based on the available evidence, the clinical significance of this variant remains unclear.